The following is an entry in ClinVar:

NM_032608.7(MYO18B):c.644A>G (p.Lys215Arg)

Gene: MYO18B (myosin XVIIIB; plus strand). Cytogenetic location: 22q12.1.
Variant type: single nucleotide variant.
Coding change: c.644A>G on transcript NM_032608.7 (MANE Select); coding-DNA position 644, A replaced by G.
Protein change: p.Lys215Arg; replaces lysine 215 with arginine.
Molecular consequence: missense variant.
Genome position (GRCh38, 1-based): chr22:25,768,560, A>G. VCF-style: chr22-25768560-A-G. GRCh37 (hg19) VCF-style: chr22-26164527-A-G.
Other names: c.644A>G, p.Lys215Arg (NM_001318245.2); short protein forms K215R.
Identifiers: ClinVar variation 1376294 (VCV001376294.7), dbSNP rs1046404107, ClinGen allele CA322779096.

ClinVar aggregate classification (germline): Uncertain significance. Review status: criteria provided, multiple submitters, no conflicts (2 of 4 stars). 2 submissions from 2 submitters: Uncertain significance (2). Last evaluated 2025-06-13.

Conditions:
Klippel-Feil anomaly-myopathy-facial dysmorphism syndrome. Also called: Klippel-Feil syndrome 4, autosomal recessive, with myopathy and facial dysmorphism; Klippel-feil syndrome 4, autosomal recessive, with nemaline myopathy and facial dysmorphism. Identifiers: Orphanet 447974, MedGen C4225285, MONDO:0014689, OMIM 616549.

Allele frequency attached by ClinVar (database versions not stated): gnomAD exomes below 0.00001.
gnomAD v4.1: 7 of 1,539,376 alleles (0.00045%); highest among the groups gnomAD compares: Non-Finnish European, 0.00052%; no homozygotes.

Submissions (2):

Revvity Omics, Revvity
Classification: Uncertain significance for Klippel-Feil anomaly-myopathy-facial dysmorphism syndrome. Last evaluated: 2025-06-13. Review status: criteria provided, single submitter. Criteria: ACMG Guidelines, 2015. Collection method: clinical testing. Allele origin: germline.

Labcorp Genetics (formerly Invitae), Labcorp
Classification: Uncertain significance. Last evaluated: 2023-08-04. Review status: criteria provided, single submitter. Criteria: Invitae Variant Classification Sherloc (09022015). Collection method: clinical testing. Allele origin: germline.
Comment: This sequence change replaces lysine, which is basic and polar, with arginine, which is basic and polar, at codon 215 of the MYO18B protein (p.Lys215Arg). This variant is not present in population databases (gnomAD no frequency). This variant has not been reported in the literature in individuals affected with MYO18B-related conditions. ClinVar contains an entry for this variant (Variation ID: 1376294). Algorithms developed to predict the effect of missense changes on protein structure and function output the following: SIFT: "Not Available"; PolyPhen-2: "Benign"; Align-GVGD: "Not Available". The arginine amino acid residue is found in multiple mammalian species, which suggests that this missense change does not adversely affect protein function. In summary, the available evidence is currently insufficient to determine the role of this variant in disease. Therefore, it has been classified as a Variant of Uncertain Significance.